The following is an entry in ClinVar:

NM_015122.3(FCHO1):c.2443C>T (p.Arg815Trp)

Gene: FCHO1 (FCH and mu domain containing endocytic adaptor 1; plus strand). Cytogenetic location: 19p13.11.
Variant type: single nucleotide variant.
Coding change: c.2443C>T on transcript NM_015122.3 (MANE Select); coding-DNA position 2443, C replaced by T.
Protein change: p.Arg815Trp; replaces arginine 815 with tryptophan.
Molecular consequence: missense variant. On other transcripts: non-coding transcript variant (36).
Genome position (GRCh38, 1-based): chr19:17,786,590, C>T. VCF-style: chr19-17786590-C-T. GRCh37 (hg19) VCF-style: chr19-17897399-C-T.
Other names: c.2443C>T, p.Arg815Trp (NM_001161357.2, NM_001161358.2, NM_001384370.1 and 11 more transcripts); c.2293C>T, p.Arg765Trp (NM_001161359.2, NM_001384384.1, NM_001384385.1 and 1 more transcripts); c.2422C>T, p.Arg808Trp (NM_001384387.1); c.2404C>T, p.Arg802Trp (NM_001384388.1, NM_001384389.1); c.2368C>T, p.Arg790Trp (NM_001384390.1); c.2243C>T, p.Ala748Val (NM_001384391.1); c.2326C>T, p.Arg776Trp (NM_001384392.1, NM_001384393.1, NM_001384394.1 and 1 more transcripts); c.2167C>T, p.Arg723Trp (NM_001384396.1, NM_001384397.1, NM_001384398.1 and 4 more transcripts); and 6 more; short protein forms A606V, R708W, R723W, R808W, A748V, R514W, R765W, R790W.
Identifiers: ClinVar variation 1431557 (VCV001431557.4), dbSNP rs764811128, ClinGen allele CA9300887.
Genomic context (GRCh38, chr19:17,786,590, plus strand): 5'-CATCCTCTCTGGGGAAGCCCTGATTAAGATTCTTTCTCTGCCAGGAACCTGGAGGAGAAG[C>T]GGCTCACTTGGAGGCTTCCAGATGTGTCCGAGGCAGGCGGTGAGCTGTGGTTGTGTATGA-3'
Protein context (NP_055937.1, residues 805-825): PAATWNLEEK[Arg815Trp]LTWRLPDVSE

ClinVar aggregate classification (germline): Uncertain significance. Review status: criteria provided, multiple submitters, no conflicts (2 of 4 stars). 2 submissions from 2 submitters: Uncertain significance (2). Last evaluated 2024-12-13.

Allele frequency attached by ClinVar (database versions not stated): gnomAD 0.00002; gnomAD exomes 0.00007; ExAC 0.00009; TOPMed 0.00004.
gnomAD v4.1: 94 of 1,363,264 alleles (0.0069%); highest among the groups gnomAD compares: East Asian, 0.0091%; no homozygotes.

Submissions (2):

Ambry Genetics
Classification: Uncertain significance. Last evaluated: 2024-12-13. Review status: criteria provided, single submitter. Criteria: Ambry Variant Classification Scheme 2023. Collection method: clinical testing. Allele origin: germline.

Labcorp Genetics (formerly Invitae), Labcorp
Classification: Uncertain significance. Last evaluated: 2022-06-13. Review status: criteria provided, single submitter. Criteria: Invitae Variant Classification Sherloc (09022015). Collection method: clinical testing. Allele origin: germline.
Comment: This sequence change replaces arginine, which is basic and polar, with tryptophan, which is neutral and slightly polar, at codon 815 of the FCHO1 protein (p.Arg815Trp). This variant is present in population databases (rs764811128, gnomAD 0.01%). This variant has not been reported in the literature in individuals affected with FCHO1-related conditions. Algorithms developed to predict the effect of missense changes on protein structure and function are either unavailable or do not agree on the potential impact of this missense change (SIFT: "Deleterious"; PolyPhen-2: "Probably Damaging"; Align-GVGD: "Class C0"). In summary, the available evidence is currently insufficient to determine the role of this variant in disease. Therefore, it has been classified as a Variant of Uncertain Significance.